The following is an entry in ClinVar:

NM_000321.3(RB1):c.1379T>C (p.Met460Thr)

Gene: RB1 (RB transcriptional corepressor 1; plus strand). Cytogenetic location: 13q14.2.
Variant type: single nucleotide variant.
Coding change: c.1379T>C on transcript NM_000321.3 (MANE Select); coding-DNA position 1379, T replaced by C.
Protein change: p.Met460Thr; replaces methionine 460 with threonine.
Molecular consequence: missense variant.
Genome position (GRCh38, 1-based): chr13:48,379,640, T>C. VCF-style: chr13-48379640-T-C. GRCh37 (hg19) VCF-style: chr13-48953776-T-C.
Other names: c.1379T>C, p.Met460Thr (NM_001407165.1, NM_001407166.1); short protein forms M460T.
Identifiers: ClinVar variation 4805138 (VCV004805138.1).

ClinVar aggregate classification (germline): Uncertain significance (1 of 4 stars; one submission).

Conditions:
Retinoblastoma (RB1). Also called: RETINOBLASTOMA, SOMATIC. Identifiers: Orphanet 790, MedGen C0035335, MeSH D012175, MONDO:0008380, OMIM 180200, HP:0009919. Disease mechanism: loss of function. Inheritance: Both sporadic and heritable forms are tested..

Submission:

Labcorp Genetics (formerly Invitae), Labcorp
Classification: Uncertain significance for Retinoblastoma. Last evaluated: 2025-11-17. Review status: criteria provided, single submitter. Criteria: Invitae Variant Classification Sherloc (09022015). Collection method: clinical testing. Allele origin: germline.
Comment: This sequence change replaces methionine, which is neutral and non-polar, with threonine, which is neutral and polar, at codon 460 of the RB1 protein (p.Met460Thr). This variant is not present in population databases (gnomAD no frequency). This variant has not been reported in the literature in individuals affected with RB1-related conditions. Invitae Evidence Modeling of protein sequence and biophysical properties (such as structural, functional, and spatial information, amino acid conservation, physicochemical variation, residue mobility, and thermodynamic stability) indicates that this missense variant is expected to disrupt RB1 protein function with a positive predictive value of 80%. In summary, the available evidence is currently insufficient to determine the role of this variant in disease. Therefore, it has been classified as a Variant of Uncertain Significance.